The following is an entry in ClinVar:

ClinVar aggregate classification (germline): Uncertain significance. Review status: criteria provided, multiple submitters, no conflicts (2 of 4 stars). 5 submissions from 4 submitters: Uncertain significance (5). Last evaluated 2024-10-26.

Conditions:
Bardet-Biedl syndrome (BBS). Identifiers: Orphanet 110, MedGen C0752166, MONDO:0015229.
Bardet-Biedl syndrome 8 (BBS8). Identifiers: Orphanet 110, MedGen C1859566, MONDO:0014436, OMIM 615985.
Inborn genetic diseases. Identifiers: MedGen C0950123, MeSH D030342.
Retinitis pigmentosa (RP). Identifiers: Orphanet 791, MedGen C0035334, MeSH D012174, MONDO:0019200, OMIM 268000. Inheritance: Autosomal dominant, autosomal recessive and X linked inheritance.
TTC8-related disorder. Also called: TTC8-related condition.

Allele frequency attached by ClinVar (database versions not stated): gnomAD exomes below 0.00001 and 0.00001; gnomAD 0.00001; TOPMed 0.00001.
gnomAD v4.1: 10 of 1,613,922 alleles (0.00062%); highest among the groups gnomAD compares: Admixed American, 0.0033%; no homozygotes.

Submissions (5):

Labcorp Genetics (formerly Invitae), Labcorp
Classification: Uncertain significance for Bardet-Biedl syndrome. Last evaluated: 2024-10-26. Review status: criteria provided, single submitter. Criteria: Invitae Variant Classification Sherloc (09022015). Collection method: clinical testing. Allele origin: germline.
Comment: This sequence change replaces threonine, which is neutral and polar, with methionine, which is neutral and non-polar, at codon 82 of the TTC8 protein (p.Thr82Met). This variant is present in population databases (no rsID available, gnomAD 0.003%). This variant has not been reported in the literature in individuals affected with TTC8-related conditions. ClinVar contains an entry for this variant (Variation ID: 314798). Invitae Evidence Modeling of protein sequence and biophysical properties (such as structural, functional, and spatial information, amino acid conservation, physicochemical variation, residue mobility, and thermodynamic stability) indicates that this missense variant is expected to disrupt TTC8 protein function with a positive predictive value of 80%. Algorithms developed to predict the effect of sequence changes on RNA splicing suggest that this variant may disrupt the consensus splice site. In summary, the available evidence is currently insufficient to determine the role of this variant in disease. Therefore, it has been classified as a Variant of Uncertain Significance.

PreventionGenetics, part of Exact Sciences
Classification: Uncertain significance for TTC8-related condition. Last evaluated: 2023-08-29. Review status: criteria provided, single submitter. Criteria: ACMG Guidelines, 2015. Collection method: clinical testing. Allele origin: germline.
Comment: The TTC8 c.275C>T variant is predicted to result in the amino acid substitution p.Thr92Met. To our knowledge, this variant has not been reported in the literature. This variant is reported in 0.0029% of alleles in individuals of Latino descent in gnomAD. At this time, the clinical significance of this variant is uncertain due to the absence of conclusive functional and genetic evidence.

Ambry Genetics
Classification: Uncertain significance for Inborn genetic diseases. Last evaluated: 2022-06-09. Review status: criteria provided, single submitter. Criteria: Ambry Variant Classification Scheme 2023. Collection method: clinical testing. Allele origin: germline.

Illumina Laboratory Services, Illumina
Classification: Uncertain significance for Retinitis pigmentosa. Last evaluated: 2018-01-13. Review status: criteria provided, single submitter. Criteria: ICSL Variant Classification Criteria 13 December 2019. Collection method: clinical testing. Allele origin: germline.

Illumina Laboratory Services, Illumina
Classification: Uncertain significance for Bardet-Biedl syndrome 8. Last evaluated: 2018-01-13. Review status: criteria provided, single submitter. Criteria: ICSL Variant Classification Criteria 13 December 2019. Collection method: clinical testing. Allele origin: germline.

NM_144596.4(TTC8):c.275C>T (p.Thr92Met)

Gene: TTC8 (tetratricopeptide repeat domain 8; plus strand). Cytogenetic location: 14q31.3.
Variant type: single nucleotide variant.
Coding change: c.275C>T on transcript NM_144596.4 (MANE Select); coding-DNA position 275, C replaced by T.
Protein change: p.Thr92Met; replaces threonine 92 with methionine.
Molecular consequence: missense variant. On other transcripts: 5 prime UTR variant (2), non-coding transcript variant (1).
Genome position (GRCh38, 1-based): chr14:88,840,874, C>T. VCF-style: chr14-88840874-C-T. GRCh37 (hg19) VCF-style: chr14-89307218-C-T.
Other names: c.245C>T, p.Thr82Met (NM_001288781.1, NM_001366535.2, NM_001366536.2 and 2 more transcripts); c.-318C>T (NM_001288782.1); c.-413C>T (NM_001288783.1); c.275C>T (NM_144596.3); short protein forms T82M, T92M.
Identifiers: ClinVar variation 314798 (VCV000314798.11), dbSNP rs886050877, ClinGen allele CA10635499.
Genomic context (GRCh38, chr14:88,840,874, plus strand): 5'-TTACAGATTAATAGATAATATATAAATTGTATTAGCCATCTTGTCTCCTAGGCCCTGGAA[C>T]GTCTTTGAAACTCCCTGGAACTAATCAGACAGGAGGGCCTAGCCAGGCCGTTAGGTATGT-3'
Protein context (NP_653197.2, residues 82-102): NAIAQVPRPG[Thr92Met]SLKLPGTNQT